The following is an entry in ClinVar:

NM_015100.4(POGZ):c.1548C>T (p.His516=)

Gene: POGZ (pogo transposable element derived with ZNF domain; minus strand). Cytogenetic location: 1q21.3.
Variant type: single nucleotide variant.
Coding change: c.1548C>T on transcript NM_015100.4 (MANE Select); coding-DNA position 1548, C replaced by T.
Protein change: p.His516=; no amino-acid change (histidine 516 retained).
Molecular consequence: synonymous variant.
Genome position (GRCh38, 1-based): chr1:151,423,527, G>A on the plus strand (C>T on the coding strand, the complement: POGZ is on the minus strand). VCF-style: chr1-151423527-G-A. GRCh37 (hg19) VCF-style: chr1-151396003-G-A.
Other names: c.1521C>T, p.His507= (NM_001194937.2); c.1362C>T, p.His454= (NM_001194938.2); c.1263C>T, p.His421= (NM_145796.4); c.1389C>T, p.His463= (NM_207171.2).
Identifiers: ClinVar variation 747975 (VCV000747975.11), dbSNP rs780830514, ClinGen allele CA1091404.

ClinVar aggregate classification (germline): Benign/Likely benign. Review status: criteria provided, multiple submitters, no conflicts (2 of 4 stars). 6 submissions from 6 submitters: Benign (1); Likely benign (4). 1 of the submissions does not count toward it. Last evaluated 2023-04-11.

Conditions:
POGZ-related disorder. Also called: POGZ-related condition.
Inborn genetic diseases. Identifiers: MedGen C0950123, MeSH D030342.
Intellectual disability-microcephaly-strabismus-behavioral abnormalities syndrome. Also called: White-Sutton Syndrome. Identifiers: Orphanet 468678, MedGen C4225351, MONDO:0014606, OMIM 616364.

Allele frequency attached by ClinVar (database versions not stated): gnomAD 0.00002; ExAC 0.00010; gnomAD exomes 0.00014; TOPMed 0.00015.
gnomAD v4.1: 46 of 1,613,584 alleles (0.0029%); highest among the groups gnomAD compares: Admixed American, 0.07%; no homozygotes.

Submissions (6):

Genome-Nilou Lab
Classification: Likely benign for Intellectual disability-microcephaly-strabismus-behavioral abnormalities syndrome. Last evaluated: 2023-04-11. Review status: criteria provided, single submitter. Criteria: ACMG Guidelines, 2015. Collection method: clinical testing. Allele origin: germline. Affected: no.

GeneDx
Classification: Benign. Last evaluated: 2019-09-04. Review status: criteria provided, single submitter. Criteria: GeneDx Variant Classification Process June 2021. Collection method: clinical testing. Allele origin: germline. Affected: yes.

Labcorp Genetics (formerly Invitae), Labcorp
Classification: Likely benign. Last evaluated: 2018-06-15. Review status: criteria provided, single submitter. Criteria: Invitae Variant Classification Sherloc (09022015). Collection method: clinical testing. Allele origin: germline.

Ambry Genetics
Classification: Likely benign for Inborn genetic diseases. Last evaluated: 2018-01-19. Review status: criteria provided, single submitter. Criteria: Ambry Variant Classification Scheme 2023. Collection method: clinical testing. Allele origin: germline.

Breakthrough Genomics
Classification: Likely benign. Review status: criteria provided, single submitter. Criteria: ACMG Guidelines, 2015. Collection method: not provided. Allele origin: germline. Inheritance: Autosomal dominant inheritance. Affected: yes.

PreventionGenetics, part of Exact Sciences
Classification: Likely benign for POGZ-related condition. Last evaluated: 2019-08-12. Review status: no assertion criteria provided. Collection method: clinical testing. Allele origin: germline. Not counted in ClinVar's aggregate classification.
Comment: This variant is classified as likely benign based on ACMG/AMP sequence variant interpretation guidelines (Richards et al. 2015 PMID: 25741868, with internal and published modifications).